The following is an entry in ClinVar:

ClinVar aggregate classification (germline): Likely benign (1 of 4 stars; one submission).

Allele frequency attached by ClinVar (database versions not stated): gnomAD 0.00007 and 0.00010; TOPMed 0.00012; gnomAD exomes 0.00014 and 0.00020; 1000 Genomes Project 30x 0.00016; 1000 Genomes Project 0.00020; ExAC 0.00023; ESP Exome Variant Server 0.00023.
gnomAD v4.1: 215 of 1,614,250 alleles (0.013%); highest among the groups gnomAD compares: Middle Eastern, 0.066%; 2 homozygotes.

Submission:

CeGaT Center for Human Genetics Tuebingen
Classification: Likely benign. Last evaluated: 2022-07-01. Review status: criteria provided, single submitter. Criteria: CeGaT Center For Human Genetics Tuebingen Variant Classification Criteria Version 2. Collection method: clinical testing. Allele origin: germline. Affected: yes. Observed: 1 variant allele.
Comment: NTNG2: BP4, BP7

NM_032536.4(NTNG2):c.147C>T (p.Tyr49=)

Gene: NTNG2 (netrin G2; plus strand). Cytogenetic location: 9q34.13.
Variant type: single nucleotide variant.
Coding change: c.147C>T on transcript NM_032536.4 (MANE Select); coding-DNA position 147, C replaced by T.
Protein change: p.Tyr49=; no amino-acid change (tyrosine 49 retained).
Molecular consequence: synonymous variant.
Genome position (GRCh38, 1-based): chr9:132,166,978, C>T. VCF-style: chr9-132166978-C-T. GRCh37 (hg19) VCF-style: chr9-135042365-C-T.
Identifiers: ClinVar variation 1701584 (VCV001701584.31), dbSNP rs147027342, ClinGen allele CA5295855.